The following is an entry in ClinVar:

ClinVar aggregate classification (germline): Likely benign. Review status: criteria provided, multiple submitters, no conflicts (2 of 4 stars). 2 submissions from 2 submitters: Likely benign (2). Last evaluated 2025-09-02.

Allele frequency attached by ClinVar (database versions not stated): gnomAD exomes 0.00012 and 0.00025; ExAC 0.00027; 1000 Genomes Project 30x 0.00047; 1000 Genomes Project 0.00060; gnomAD below 0.00001 and 0.00007; TOPMed 0.00001.
gnomAD v4.1: 184 of 1,614,010 alleles (0.011%); highest among the groups gnomAD compares: South Asian, 0.19%; 1 homozygote.

Submissions (2):

Labcorp Genetics (formerly Invitae), Labcorp
Classification: Likely benign. Last evaluated: 2025-09-02. Review status: criteria provided, single submitter. Criteria: Invitae Variant Classification Sherloc (09022015). Collection method: clinical testing. Allele origin: germline.

CeGaT Center for Human Genetics Tuebingen
Classification: Likely benign. Last evaluated: 2022-11-01. Review status: criteria provided, single submitter. Criteria: CeGaT Center For Human Genetics Tuebingen Variant Classification Criteria Version 2. Collection method: clinical testing. Allele origin: germline. Affected: yes. Observed: 1 variant allele.
Comment: SRCAP: BS1

NM_006662.3(SRCAP):c.7114T>C (p.Cys2372Arg)

Gene: SRCAP (Snf2 related CREBBP activator protein; plus strand). Cytogenetic location: 16p11.2.
Variant type: single nucleotide variant.
Coding change: c.7114T>C on transcript NM_006662.3 (MANE Select); coding-DNA position 7114, T replaced by C.
Protein change: p.Cys2372Arg; replaces cysteine 2372 with arginine.
Molecular consequence: missense variant.
Genome position (GRCh38, 1-based): chr16:30,737,154, T>C. VCF-style: chr16-30737154-T-C. GRCh37 (hg19) VCF-style: chr16-30748475-T-C.
Other names: short protein forms C2372R.
Identifiers: ClinVar variation 758111 (VCV000758111.30), dbSNP rs572129697, ClinGen allele CA8012415.